The following is an entry in ClinVar:

ClinVar aggregate classification (germline): Uncertain significance (1 of 4 stars; one submission).

Conditions:
Joubert syndrome. Also called: JOUBERT-BOLTSHAUSER SYNDROME; Familial aplasia of the vermis. Identifiers: Orphanet 475, MedGen C5979921, MONDO:0018772.
Meckel-Gruber syndrome. Also called: DYSENCEPHALIA SPLANCHNOCYSTICA; GRUBER SYNDROME; Dysencephalia splachnocystica. Identifiers: Orphanet 564, MedGen C0265215, MONDO:0018921.

gnomAD v4.1: 1 of 1,587,748 alleles (0.000063%); no homozygotes.

Submission:

Labcorp Genetics (formerly Invitae), Labcorp
Classification: Uncertain significance for Joubert syndrome; Meckel-Gruber syndrome. Last evaluated: 2022-05-27. Review status: criteria provided, single submitter. Criteria: Invitae Variant Classification Sherloc (09022015). Collection method: clinical testing. Allele origin: germline.
Comment: This sequence change falls in intron 3 of the CC2D2A gene. It does not directly change the encoded amino acid sequence of the CC2D2A protein. It affects a nucleotide within the consensus splice site. This variant is not present in population databases (gnomAD no frequency). This variant has not been reported in the literature in individuals affected with CC2D2A-related conditions. Variants that disrupt the consensus splice site are a relatively common cause of aberrant splicing (PMID: 17576681, 9536098). Algorithms developed to predict the effect of sequence changes on RNA splicing suggest that this variant is not likely to affect RNA splicing. In summary, the available evidence is currently insufficient to determine the role of this variant in disease. Therefore, it has been classified as a Variant of Uncertain Significance.

Literature cited by the submitters: PubMed 17576681; PubMed 9536098.

NM_001378615.1(CC2D2A):c.39+6T>A

Genes: CC2D2A (coiled-coil and C2 domain containing 2A; plus strand), FBXL5 (F-box and leucine rich repeat protein 5; minus strand). Cytogenetic location: 4p15.32.
Variant type: single nucleotide variant.
Coding change: c.39+6T>A on transcript NM_001378615.1 (MANE Select); 6 bases into the intron after coding-DNA position 39, T replaced by A.
Molecular consequence: intron variant.
Genome position (GRCh38, 1-based): chr4:15,475,977, T>A. VCF-style: chr4-15475977-T-A. GRCh37 (hg19) VCF-style: chr4-15477601-T-A.
Other names: c.39+6T>A (NM_001080522.2, NM_020785.2, NM_001164720.3).
Identifiers: ClinVar variation 1999416 (VCV001999416.1), dbSNP rs2474814533, ClinGen allele CA2580070850.